The following is an entry in ClinVar:

ClinVar aggregate classification (germline): Pathogenic. Review status: criteria provided, multiple submitters, no conflicts (2 of 4 stars). 2 submissions from 2 submitters: Pathogenic (2). Last evaluated 2025-01-29.

Conditions:
Cardiovascular phenotype. Identifiers: MedGen CN230736.
Hereditary cancer-predisposing syndrome. Also called: Hereditary neoplastic syndrome; Neoplastic Syndromes, Hereditary; Tumor predisposition; Hereditary Cancer Syndrome. Identifiers: Orphanet 140162, MedGen C0027672, MeSH D009386, MONDO:0015356.
Neurofibromatosis, type 1 (NF1). Also called: VON RECKLINGHAUSEN DISEASE; Peripheral type neurofibromatosis; NEUROFIBROMATOSIS, TYPE I, SOMATIC; Neurofibromatosis, type I. Identifiers: Orphanet 636, MedGen C0027831, MONDO:0018975, OMIM 162200. Disease mechanism: loss of function.

Submissions (2):

Labcorp Genetics (formerly Invitae), Labcorp
Classification: Pathogenic for Neurofibromatosis, type 1. Last evaluated: 2025-01-29. Review status: criteria provided, single submitter. Criteria: Invitae Variant Classification Sherloc (09022015). Collection method: clinical testing. Allele origin: germline.
Comment: This sequence change creates a premature translational stop signal (p.Met2053Asnfs*4) in the NF1 gene. It is expected to result in an absent or disrupted protein product. Loss-of-function variants in NF1 are known to be pathogenic (PMID: 10712197, 23913538). This variant is not present in population databases (gnomAD no frequency). This variant has not been reported in the literature in individuals affected with NF1-related conditions. ClinVar contains an entry for this variant (Variation ID: 484109). Algorithms developed to predict the effect of sequence changes on RNA splicing suggest that this variant may disrupt the consensus splice site. For these reasons, this variant has been classified as Pathogenic.

Ambry Genetics
Classification: Pathogenic for Cardiovascular phenotype; Hereditary cancer-predisposing syndrome. Last evaluated: 2017-03-24. Review status: criteria provided, single submitter. Criteria: Ambry Variant Classification Scheme 2023. Collection method: clinical testing. Allele origin: germline.
Comment: The c.6157dupA pathogenic mutation, located in coding exon 41 of the NF1 gene, results from a duplication of A at nucleotide position 6157, causing a translational frameshift with a predicted alternate stop codon (p.M2053Nfs*4). This alteration is expected to result in loss of function by premature protein truncation or nonsense-mediated mRNA decay. As such, this alteration is interpreted as a disease-causing mutation.

Literature cited by the submitters: PubMed 10712197 (cited by Labcorp Genetics (formerly Invitae), Labcorp); PubMed 23913538 (cited by Labcorp Genetics (formerly Invitae), Labcorp).

NM_001042492.3(NF1):c.6220dup (p.Met2074fs)

Gene: NF1 (neurofibromin 1; plus strand). Cytogenetic location: 17q11.2.
Variant type: Duplication.
Coding change: c.6220dup on transcript NM_001042492.3 (MANE Select); coding-DNA position 6220, one base duplicated (A; older notation c.6220dupA).
Protein change: p.Met2074fs; shifts the reading frame from methionine 2074.
Molecular consequence: frameshift variant.
Genome position (GRCh38, 1-based): chr17:31,336,707, A duplicated. VCF-style (leftmost placement, unchanged base first): chr17-31336706-T-TA. GRCh37 (hg19) VCF-style: chr17-29663724-T-TA.
Other names: c.6157dupA (NM_000267.3); c.6157dup, p.Met2053Asnfs (NM_000267.4); short protein forms M2074fs, M2053fs.
Identifiers: ClinVar variation 484109 (VCV000484109.7), dbSNP rs1555534673, ClinGen allele CA658658562.
Genomic context (GRCh38, chr17:31,336,706, plus strand): 5'-GATGTGCAAAATAATTGACAAGACATGCTTATCTCCAACTCCTACTTTAGAACAACATCT[T>TA]ATGTGGGATGATATTGCTATTTTAGCACGCTACATGCTGATGCTGTCCTTCAACAATTCC-3'